The following is an entry in ClinVar:

NM_004177.5(STX3):c.327A>T (p.Ser109=)

Gene: STX3 (syntaxin 3; plus strand). Cytogenetic location: 11q12.1.
Variant type: single nucleotide variant.
Coding change: c.327A>T on transcript NM_004177.5 (MANE Select); coding-DNA position 327, A replaced by T.
Protein change: p.Ser109=; no amino-acid change (serine 109 retained).
Molecular consequence: synonymous variant.
Genome position (GRCh38, 1-based): chr11:59,790,556, A>T. VCF-style: chr11-59790556-A-T. GRCh37 (hg19) VCF-style: chr11-59558029-A-T.
Other names: c.327A>T, p.Ser109= (NM_001178040.3).
Identifiers: ClinVar variation 1647871 (VCV001647871.10), dbSNP rs546503775, ClinGen allele CA6020835.

ClinVar aggregate classification (germline): Likely benign. Review status: criteria provided, single submitter (1 of 4 stars). 2 submissions from 2 submitters: Likely benign (1). 1 of the submissions does not count toward it. Last evaluated 2024-10-12.

Conditions:
STX3-related disorder. Also called: STX3-related condition.

Allele frequency attached by ClinVar (database versions not stated): ExAC 0.00001; gnomAD exomes 0.00002; TOPMed 0.00002; gnomAD 0.00003 and 0.00004.
gnomAD v4.1: 36 of 1,614,074 alleles (0.0022%); highest among the groups gnomAD compares: Non-Finnish European, 0.003%; no homozygotes.

Submissions (2):

Labcorp Genetics (formerly Invitae), Labcorp
Classification: Likely benign. Last evaluated: 2024-10-12. Review status: criteria provided, single submitter. Criteria: Invitae Variant Classification Sherloc (09022015). Collection method: clinical testing. Allele origin: germline.

PreventionGenetics, part of Exact Sciences
Classification: Likely benign for STX3-related condition. Last evaluated: 2023-01-09. Review status: no assertion criteria provided. Collection method: clinical testing. Allele origin: germline. Not counted in ClinVar's aggregate classification.
Comment: This variant is classified as likely benign based on ACMG/AMP sequence variant interpretation guidelines (Richards et al. 2015 PMID: 25741868, with internal and published modifications).